The following is an entry in ClinVar:

ClinVar aggregate classification (germline): Uncertain significance (1 of 4 stars; one submission).

Allele frequency attached by ClinVar (database versions not stated): gnomAD exomes below 0.00001.

Submission:

Labcorp Genetics (formerly Invitae), Labcorp
Classification: Uncertain significance. Last evaluated: 2024-09-06. Review status: criteria provided, single submitter. Criteria: Invitae Variant Classification Sherloc (09022015). Collection method: clinical testing. Allele origin: germline.
Comment: This sequence change replaces alanine, which is neutral and non-polar, with valine, which is neutral and non-polar, at codon 170 of the NDUFB10 protein (p.Ala170Val). This variant is not present in population databases (gnomAD no frequency). This variant has not been reported in the literature in individuals affected with NDUFB10-related conditions. ClinVar contains an entry for this variant (Variation ID: 1973758). An algorithm developed to predict the effect of missense changes on protein structure and function (PolyPhen-2) suggests that this variant is likely to be disruptive. In summary, the available evidence is currently insufficient to determine the role of this variant in disease. Therefore, it has been classified as a Variant of Uncertain Significance.

NM_004548.3(NDUFB10):c.509C>T (p.Ala170Val)

Gene: NDUFB10 (NADH:ubiquinone oxidoreductase subunit B10; plus strand). Cytogenetic location: 16p13.3.
Variant type: single nucleotide variant.
Coding change: c.509C>T on transcript NM_004548.3 (MANE Select); coding-DNA position 509, C replaced by T.
Protein change: p.Ala170Val; replaces alanine 170 with valine.
Molecular consequence: missense variant.
Genome position (GRCh38, 1-based): chr16:1,961,896, C>T. VCF-style: chr16-1961896-C-T. GRCh37 (hg19) VCF-style: chr16-2011897-C-T.
Other names: short protein forms A170V.
Identifiers: ClinVar variation 1973758 (VCV001973758.5), dbSNP rs113497710, ClinGen allele CA276750848.
Genomic context (GRCh38, chr16:1,961,896, plus strand): 5'-TGGCCAAACAGAGGCAGAGGATGCTGCAAGAGAGAAAAGCTGCAAAAGAGGCCGCCGCTG[C>T]CACCTCCTGAGGCAGCTGTGGGTGCCCCTGCTGTGTGGCTCTGTATGACTGTTGCTGAAA-3'
Protein context (NP_004539.1, residues 160-172): ERKAAKEAAA[Ala170Val]TS